The following is an entry in ClinVar:

ClinVar aggregate classification (germline): Pathogenic. Review status: criteria provided, single submitter (1 of 4 stars). 2 submissions from 2 submitters: Pathogenic (1). 1 of the submissions does not count toward it. Last evaluated 2023-12-11.

Allele frequency attached by ClinVar (database versions not stated): gnomAD exomes below 0.00001; TOPMed 0.00003.

Submissions (2):

Labcorp Genetics (formerly Invitae), Labcorp
Classification: Pathogenic. Last evaluated: 2023-12-11. Review status: criteria provided, single submitter. Criteria: Invitae Variant Classification Sherloc (09022015). Collection method: clinical testing. Allele origin: germline.
Comment: This sequence change creates a premature translational stop signal (p.Arg368*) in the C2 gene. It is expected to result in an absent or disrupted protein product. Loss-of-function variants in C2 are known to be pathogenic (PMID: 1577763, 9616367). This variant is not present in population databases (gnomAD no frequency). This variant has not been reported in the literature in individuals affected with C2-related conditions. ClinVar contains an entry for this variant (Variation ID: 591016). For these reasons, this variant has been classified as Pathogenic.

Gharavi Laboratory, Columbia University
Classification: Uncertain significance. Last evaluated: 2018-09-16. Review status: no assertion criteria provided. Criteria: ACMG Guidelines, 2015. Collection method: research. Allele origin: germline. Affected: yes. Not counted in ClinVar's aggregate classification.

Literature cited by the submitters: PubMed 1577763 (cited by Labcorp Genetics (formerly Invitae), Labcorp); PubMed 9616367 (cited by Labcorp Genetics (formerly Invitae), Labcorp).

NM_000063.6(C2):c.1102C>T (p.Arg368Ter)

Genes: C2 (complement C2; plus strand), C2-AS1 (C2 antisense RNA 1; minus strand). Cytogenetic location: 6p21.33.
Variant type: single nucleotide variant.
Coding change: c.1102C>T on transcript NM_000063.6 (MANE Select); coding-DNA position 1102, C replaced by T.
Protein change: p.Arg368Ter; replaces arginine 368 with a stop codon.
Molecular consequence: nonsense.
Genome position (GRCh38, 1-based): chr6:31,937,432, C>T. VCF-style: chr6-31937432-C-T. GRCh37 (hg19) VCF-style: chr6-31905209-C-T.
Other names: c.706C>T, p.Arg236Ter (NM_001145903.3); c.460C>T, p.Arg154Ter (NM_001178063.3); c.364C>T, p.Arg122Ter (NM_001282457.2); c.1015C>T, p.Arg339Ter (NM_001282458.2); short protein forms R368*, R236*, R122*, R154*, R339*.
Identifiers: ClinVar variation 591016 (VCV000591016.4), dbSNP rs866130958, ClinGen allele CA136886214.